The following is an entry in ClinVar:

ClinVar aggregate classification (germline): Uncertain significance (1 of 4 stars; one submission).

Conditions:
Duchenne muscular dystrophy (DMD). Also called: MUSCULAR DYSTROPHY, PSEUDOHYPERTROPHIC PROGRESSIVE, DUCHENNE TYPE; Duchenne Muscular Dystrophy (DMD). Identifiers: Orphanet 98896, MedGen C0013264, MONDO:0010679, OMIM 310200.

Submission:

Labcorp Genetics (formerly Invitae), Labcorp
Classification: Uncertain significance for Duchenne muscular dystrophy. Last evaluated: 2025-05-26. Review status: criteria provided, single submitter. Criteria: Invitae Variant Classification Sherloc (09022015). Collection method: clinical testing. Allele origin: germline.
Comment: This sequence change replaces glutamic acid, which is acidic and polar, with alanine, which is neutral and non-polar, at codon 1518 of the DMD protein (p.Glu1518Ala). This variant is not present in population databases (gnomAD no frequency). This variant has not been reported in the literature in individuals affected with DMD-related conditions. Invitae Evidence Modeling of protein sequence and biophysical properties (such as structural, functional, and spatial information, amino acid conservation, physicochemical variation, residue mobility, and thermodynamic stability) indicates that this missense variant is not expected to disrupt DMD protein function with a negative predictive value of 95%. In summary, the available evidence is currently insufficient to determine the role of this variant in disease. Therefore, it has been classified as a Variant of Uncertain Significance.

NM_004006.3(DMD):c.4553A>C (p.Glu1518Ala)

Gene: DMD (dystrophin; minus strand). Cytogenetic location: Xp21.1.
Variant type: single nucleotide variant.
Coding change: c.4553A>C on transcript NM_004006.3 (MANE Select); coding-DNA position 4553, A replaced by C.
Protein change: p.Glu1518Ala; replaces glutamic acid 1518 with alanine.
Molecular consequence: missense variant.
Genome position (GRCh38, 1-based): chrX:32,386,431, T>G on the plus strand (A>C on the coding strand, the complement: DMD is on the minus strand). VCF-style: chrX-32386431-T-G. GRCh37 (hg19) VCF-style: chrX-32404548-T-G.
Other names: c.4529A>C, p.Glu1510Ala (NM_000109.4); c.4541A>C, p.Glu1514Ala (NM_004009.3); c.4184A>C, p.Glu1395Ala (NM_004010.3); c.530A>C, p.Glu177Ala (NM_004011.4); c.521A>C, p.Glu174Ala (NM_004012.4); short protein forms E177A, E1395A, E1514A, E1510A, E1518A, E174A.
Identifiers: ClinVar variation 4771420 (VCV004771420.1).